The following is an entry in ClinVar:

ClinVar aggregate classification (germline): Uncertain significance (1 of 4 stars; one submission).

gnomAD v4.1: 4 of 1,614,106 alleles (0.00025%); highest among the groups gnomAD compares: Non-Finnish European, 0.00034%; no homozygotes.

Submission:

GeneDx
Classification: Uncertain significance. Last evaluated: 2025-06-11. Review status: criteria provided, single submitter. Criteria: GeneDx Variant Classification Process June 2021. Collection method: clinical testing. Allele origin: germline. Affected: yes.
Comment: Not observed at significant frequency in large population cohorts (gnomAD); In silico analysis suggests that this missense variant does not alter protein structure/function; Has not been previously published as pathogenic or benign to our knowledge

NM_002471.4(MYH6):c.1823C>T (p.Ala608Val)

Gene: MYH6 (myosin heavy chain 6; minus strand). Cytogenetic location: 14q11.2.
Variant type: single nucleotide variant.
Coding change: c.1823C>T on transcript NM_002471.4 (MANE Select); coding-DNA position 1823, C replaced by T.
Protein change: p.Ala608Val; replaces alanine 608 with valine.
Molecular consequence: missense variant.
Genome position (GRCh38, 1-based): chr14:23,398,796, G>A on the plus strand (C>T on the coding strand, the complement: MYH6 is on the minus strand). VCF-style: chr14-23398796-G-A. GRCh37 (hg19) VCF-style: chr14-23868005-G-A.
Other names: short protein forms A608V.
Identifiers: ClinVar variation 4538050 (VCV004538050.1).
Genomic context (GRCh38, chr14:23,398,796, plus strand): 5'-GCAGTTGCGTAGGAGGAGAAGAGAGTGGCCATGAGCTTGAGGGAGGACTTCTGGTACAGG[G>A]CCACAACAGTCTCGTTGAGAGGATCCTTGTTTTTTTCCAGCCAGCCCAGGATGTTGTAGT-3'
Protein context (NP_002462.2, residues 598-618): NKDPLNETVV[Ala608Val]LYQKSSLKLM